The following is an entry in ClinVar:

ClinVar aggregate classification (germline): Benign/Likely benign. Review status: criteria provided, multiple submitters, no conflicts (2 of 4 stars). 21 submissions from 20 submitters: Benign (14); Likely benign (1). 6 of the submissions do not count toward it. Last evaluated 2026-02-04.

Conditions:
WFS1-Related Spectrum Disorders.
Wolfram syndrome. Also called: DIDMOAD (Diabetes Insipidus, Diabetes Mellitus, Optic Atrophy, and Deafness); Diabetes mellitus AND insipidus with optic atrophy AND deafness. Identifiers: Orphanet 3463, MedGen C0043207, MONDO:0018105.
Type 2 diabetes mellitus. Also called: Type II diabetes mellitus. Identifiers: MedGen C0011860, MeSH D003924, MONDO:0005148, OMIM 125853, HP:0005978.
Wolfram syndrome 1 (WFS1). Identifiers: Orphanet 3463, MedGen C4551693, MONDO:0009101, OMIM 222300.
Autosomal dominant nonsyndromic hearing loss 6 (LFSNHL). Also called: Autosomal dominant nonsyndromic deafness 6; DEAFNESS, AUTOSOMAL DOMINANT 6; DEAFNESS, AUTOSOMAL DOMINANT 14; DEAFNESS, AUTOSOMAL DOMINANT 38. Identifiers: Orphanet 90635, MedGen C1833021, MONDO:0010963, OMIM 600965.

Allele frequency attached by ClinVar (database versions not stated): ESP Exome Variant Server 0.62540; gnomAD 0.63169 and 0.64017; TOPMed 0.65051; ExAC 0.65546; gnomAD exomes 0.66192; 1000 Genomes Project 30x 0.72751; 1000 Genomes Project 0.72883.

Submissions (21):

Labcorp Genetics (formerly Invitae), Labcorp
Classification: Benign. Last evaluated: 2026-02-04. Review status: criteria provided, single submitter. Criteria: Invitae Variant Classification Sherloc (09022015). Collection method: clinical testing. Allele origin: germline.

Dasa
Classification: Benign. Last evaluated: 2025-11-26. Review status: criteria provided, single submitter. Criteria: DASA Assertion Criteria. Collection method: clinical testing. Allele origin: germline.
Comment: NM_006005.3(WFS1):c.461-9A>G is a splice-region variant. Population frequency is inconsistent with a disease-causing role for this variant. Computational prediction algorithms are consistent with a benign effect. Therefore, based on the currently available evidence, this variant is classified as benign.

ARUP Laboratories, Molecular Genetics and Genomics, ARUP Laboratories
Classification: Benign. Last evaluated: 2025-07-30. Review status: criteria provided, single submitter. Criteria: ARUP Molecular Germline Variant Investigation Process 2024. Collection method: clinical testing. Allele origin: germline.

Blueprint Genetics
Classification: Likely benign. Last evaluated: 2024-11-27. Review status: criteria provided, single submitter. Criteria: ACMG Guidelines, 2015. Collection method: clinical testing. Allele origin: germline.

Department of Pathology and Laboratory Medicine, Sinai Health System
Classification: Benign for Wolfram syndrome. Last evaluated: 2023-04-17. Review status: criteria provided, single submitter. Criteria: ACMG Guidelines, 2015. Collection method: research. Allele origin: germline.

Mayo Clinic Laboratories, Mayo Clinic
Classification: Benign. Last evaluated: 2023-01-03. Review status: criteria provided, single submitter. Criteria: ACMG Guidelines, 2015. Collection method: clinical testing. Allele origin: germline. Observed: 552 variant alleles.
Comment: BA1

Molecular Genetics, Royal Melbourne Hospital
Classification: Benign for Wolfram syndrome 1. Last evaluated: 2020-11-20. Review status: criteria provided, single submitter. Criteria: ACMG Guidelines, 2015. Collection method: clinical testing. Allele origin: germline. Affected: no.
Comment: Population allele frequency is 66% (rs10010131; 180,328/274,176 alleles in gnomAD v2.0). Based on the classification scheme RMH ACMG Guidelines v1.1.1, this variant is classified as Benign. Following criteria are met: BA1.

Illumina Laboratory Services, Illumina
Classification: Benign for WFS1-Related Spectrum Disorders. Last evaluated: 2018-01-12. Review status: criteria provided, single submitter. Criteria: ICSL Variant Classification Criteria 13 December 2019. Collection method: clinical testing. Allele origin: germline.
Comment: This variant was observed in the ICSL laboratory as part of a predisposition screen in an ostensibly healthy population. It had not been previously curated by ICSL or reported in the Human Gene Mutation Database (HGMD: prior to June 1st, 2018), and was therefore a candidate for classification through an automated scoring system. Utilizing variant allele frequency, disease prevalence and penetrance estimates, and inheritance mode, an automated score was calculated to assess if this variant is too frequent to cause the disease. Based on the score and internal cut-off values, a variant classified as benign is not then subjected to further curation. The score for this variant resulted in a classification of benign for this disease.

Illumina Laboratory Services, Illumina
Classification: Benign for Autosomal dominant nonsyndromic hearing loss 6. Last evaluated: 2018-01-12. Review status: criteria provided, single submitter. Criteria: ICSL Variant Classification Criteria 13 December 2019. Collection method: clinical testing. Allele origin: germline.
Comment: the same text as in the submission from Illumina Laboratory Services, Illumina above.

GeneDx
Classification: Benign. Last evaluated: 2015-03-03. Review status: criteria provided, single submitter. Criteria: GeneDx Variant Classification Process June 2021. Collection method: clinical testing. Allele origin: germline. Affected: yes.
Comment: This variant is associated with the following publications: (PMID: 17603484, 19330314, 22958899, 22461567)

Eurofins Ntd Llc (ga)
Classification: Benign. Last evaluated: 2014-08-04. Review status: criteria provided, single submitter. Criteria: EGL Classification Definitions 2015. Collection method: clinical testing. Allele origin: germline. Observed: 2 variant alleles, 1 heterozygote, 1 homozygote.

Laboratory for Molecular Medicine, Mass General Brigham Personalized Medicine
Classification: Benign. Last evaluated: 2012-02-28. Review status: criteria provided, single submitter. Criteria: LMM Criteria. Collection method: clinical testing. Allele origin: germline. Observed: 1,252 variant alleles.

Breakthrough Genomics
Classification: Benign. Review status: criteria provided, single submitter. Criteria: ACMG Guidelines, 2015. Collection method: not provided. Allele origin: germline. Inheritance: Autosomal recessive inheritance. Affected: yes.

Clinical Genomics, Uppaluri K&H Personalized Medicine Clinic
Classification: Benign for Wolfram syndrome 1. Review status: criteria provided, single submitter. Criteria: K & H Uppaluri Personalized Medicine Clinic Variant Classification & Assertion Criteria_Updated V.1. Collection method: research. Allele origin: unknown. Inheritance: Autosomal recessive inheritance.
Comment: Mutations in WFS1 gene are associated with Wolfram's syndrome, an autosomal recessive condition, which cause diabetes mellitus, diabetes insipidus, deafness and optic atrophy. rs10010131 variant is also seen in patients with Diabetes Mellitus. However, the role of this particular variant is yet to be ascertained.

PreventionGenetics, part of Exact Sciences
Classification: Benign. Review status: criteria provided, single submitter. Criteria: ACMG Guidelines, 2015. Collection method: clinical testing. Allele origin: germline.

OMIM
Classification: Benign for RECLASSIFIED - WFS1 POLYMORPHISM. Last evaluated: 2007-08-01. Review status: no assertion criteria provided. Collection method: literature only. Allele origin: germline. Not counted in ClinVar's aggregate classification.

Clinical Genetics DNA and cytogenetics Diagnostics Lab, Erasmus MC, Erasmus Medical Center
Classification: Benign. Review status: no assertion criteria provided. Collection method: clinical testing. Allele origin: germline. Affected: yes. Study: VKGL Data-share Consensus. Not counted in ClinVar's aggregate classification.

Clinical Genetics, Academic Medical Center
Classification: Benign. Review status: no assertion criteria provided. Collection method: clinical testing. Allele origin: germline. Affected: yes. Study: VKGL Data-share Consensus. Not counted in ClinVar's aggregate classification.

Diagnostic Laboratory, Department of Genetics, University Medical Center Groningen
Classification: Benign. Review status: no assertion criteria provided. Collection method: clinical testing. Allele origin: germline. Affected: yes. Study: VKGL Data-share Consensus. Not counted in ClinVar's aggregate classification.

Genetic Services Laboratory, University of Chicago
Classification: Likely benign for AllHighlyPenetrant. Review status: no assertion criteria provided. Collection method: clinical testing. Allele origin: germline. Inheritance: Autosomal recessive inheritance. Not counted in ClinVar's aggregate classification.
Comment: Likely benign based on allele frequency in 1000 Genomes Project or ESP global frequency and its presence in a patient with a rare or unrelated disease phenotype. NOT Sanger confirmed.

Joint Genome Diagnostic Labs from Nijmegen and Maastricht, Radboudumc and MUMC+
Classification: Benign. Review status: no assertion criteria provided. Collection method: clinical testing. Allele origin: germline. Affected: yes. Study: VKGL Data-share Consensus. Not counted in ClinVar's aggregate classification.

Literature cited by the submitters: PubMed 23257691 (cited by Clinical Genomics, Uppaluri K&H Personalized Medicine Clinic); Hamosh, A. Personal Communication. 2026. Baltimore, Md. (cited by OMIM); PubMed 17603484 (cited by OMIM).

NM_006005.3(WFS1):c.461-9A>G

Gene: WFS1 (wolframin ER transmembrane glycoprotein; plus strand). Cytogenetic location: 4p16.1.
Variant type: single nucleotide variant.
Coding change: c.461-9A>G on transcript NM_006005.3 (MANE Select); 9 bases into the intron before coding-DNA position 461, A replaced by G.
Molecular consequence: intron variant.
Genome position (GRCh38, 1-based): chr4:6,291,188, A>G. VCF-style: chr4-6291188-A-G. GRCh37 (hg19) VCF-style: chr4-6292915-A-G.
Other names: p.?; c.461-9A>G (NM_001145853.1).
Identifiers: ClinVar variation 4527 (VCV000004527.58), dbSNP rs10010131, ClinGen allele CA116905.